The following is an entry in ClinVar:

ClinVar aggregate classification (germline): Uncertain significance (1 of 4 stars; one submission).

Conditions:
Multiple gastrointestinal atresias. Also called: Multiple intestinal atresia; FAMILIAL INTESTINAL POLYATRESIA SYNDROME. Identifiers: Orphanet 2300, MedGen C0220744, MONDO:0009465.

Submission:

Labcorp Genetics (formerly Invitae), Labcorp
Classification: Uncertain significance for Multiple gastrointestinal atresias. Last evaluated: 2022-05-05. Review status: criteria provided, single submitter. Criteria: Invitae Variant Classification Sherloc (09022015). Collection method: clinical testing. Allele origin: germline.
Comment: In summary, the available evidence is currently insufficient to determine the role of this variant in disease. Therefore, it has been classified as a Variant of Uncertain Significance. Experimental studies and prediction algorithms are not available or were not evaluated, and the functional significance of this variant is currently unknown. This variant has not been reported in the literature in individuals affected with TTC7A-related conditions. Information on the frequency of this variant in the gnomAD database is not available, as this variant may be reported differently in the database. This sequence change replaces glutamic acid, which is acidic and polar, with serine, which is neutral and polar, at codon 101 of the TTC7A protein (p.Glu101Ser).

NM_020458.4(TTC7A):c.300_302delinsTTC (p.Glu101Ser)

Gene: TTC7A (tetratricopeptide repeat domain 7A; plus strand). Cytogenetic location: 2p21.
Variant type: Indel.
Coding change: c.300_302delinsTTC on transcript NM_020458.4 (MANE Select); coding-DNA positions 300 to 302, CGA replaced by TTC.
Protein change: p.Glu101Ser; replaces glutamic acid 101 with serine.
Molecular consequence: missense variant. On other transcripts: 5 prime UTR variant (1).
Genome position (GRCh38, 1-based): chr2:46,950,478-46,950,480, CGA replaced by TTC. VCF-style: chr2-46950478-CGA-TTC. GRCh37 (hg19) VCF-style: chr2-47177617-CGA-TTC.
Other names: c.300_302delinsTTC, p.Glu101Ser (NM_001288951.2); c.198_200delinsTTC, p.Glu67Ser (NM_001288953.2); c.-605_-603delinsTTC (NM_001288955.2); short protein forms E67S, E101S.
Identifiers: ClinVar variation 2134229 (VCV002134229.4), dbSNP rs2466214980, ClinGen allele CA2580067196.